The following is an entry in ClinVar:

NM_002878.4(RAD51D):c.346-5C>G

Genes: RAD51D (RAD51 paralog D; minus strand), RAD51L3-RFFL (RAD51L3-RFFL readthrough; minus strand). Cytogenetic location: 17q12.
Variant type: single nucleotide variant.
Coding change: c.346-5C>G on transcript NM_002878.4 (MANE Select); 5 bases into the intron before coding-DNA position 346, C replaced by G.
Molecular consequence: intron variant.
Genome position (GRCh38, 1-based): chr17:35,107,127, G>C on the plus strand (C>G on the coding strand, the complement: RAD51D is on the minus strand). VCF-style: chr17-35107127-G-C. GRCh37 (hg19) VCF-style: chr17-33434146-G-C.
Other names: p.?; c.346-5C>G (NM_002878.3); c.145-646C>G (NM_133629.3); c.406-5C>G (NM_001142571.2).
Identifiers: ClinVar variation 2087982 (VCV002087982.5), dbSNP rs750169840, ClinGen allele CA2580093213.
Genomic context (GRCh38, chr17:35,107,127, plus strand): 5'-TATAGGACGTTTTGCTGCAGGCCATGGGCCACATTTGCTGCCATACAGAGACATACCTGG[G>C]GGTGGGGGCATTGGATGAACTTGACACTTCAGAGAGGGTCCAGATGGGAGCTCCCCACCA-3'

ClinVar aggregate classification (germline): Likely benign. Review status: criteria provided, multiple submitters, no conflicts (2 of 4 stars). 2 submissions from 2 submitters: Likely benign (2). Last evaluated 2025-03-10.

Conditions:
Breast-ovarian cancer, familial, susceptibility to, 4. Identifiers: Orphanet 145, MedGen C3280345, MONDO:0013669, OMIM 614291.

Submissions (2):

Mayo Clinic Laboratories, Mayo Clinic
Classification: Likely benign. Last evaluated: 2025-03-10. Review status: criteria provided, single submitter. Criteria: ACMG Guidelines, 2015. Collection method: clinical testing. Allele origin: germline. Observed: 1 variant allele.
Comment: BP4, BP7

Labcorp Genetics (formerly Invitae), Labcorp
Classification: Likely benign for Breast-ovarian cancer, familial, susceptibility to, 4. Last evaluated: 2024-02-17. Review status: criteria provided, single submitter. Criteria: Invitae Variant Classification Sherloc (09022015). Collection method: clinical testing. Allele origin: germline.